The following is an entry in ClinVar:

ClinVar aggregate classification (germline): Uncertain significance (1 of 4 stars; one submission).

Conditions:
Episodic ataxia type 2 (EA2). Also called: ATAXIA, EPISODIC, WITH NYSTAGMUS; ATAXIA, FAMILIAL PAROXYSMAL; ACETAZOLAMIDE-RESPONSIVE HEREDITARY PAROXYSMAL CEREBELLAR ATAXIA; CEREBELLAR ATAXIA, PAROXYSMAL, ACETAZOLAMIDE-RESPONSIVE; CEREBELLOPATHY, HEREDITARY PAROXYSMAL; EPISODIC ATAXIA, NYSTAGMUS-ASSOCIATED. Identifiers: Orphanet 97, MedGen C1720416, MONDO:0007163, OMIM 108500.
Developmental and epileptic encephalopathy, 42 (DEE42A). Also called: Epileptic encephalopathy, early infantile, 42; DEVELOPMENTAL AND EPILEPTIC ENCEPHALOPATHY 42A; EPILEPTIC ENCEPHALOPATHY, EARLY INFANTILE, 42A. Identifiers: MedGen C4310716, MONDO:0014917, OMIM 617106.

Submission:

Labcorp Genetics (formerly Invitae), Labcorp
Classification: Uncertain significance for Developmental and epileptic encephalopathy, 42; Episodic ataxia type 2. Last evaluated: 2024-09-14. Review status: criteria provided, single submitter. Criteria: Invitae Variant Classification Sherloc (09022015). Collection method: clinical testing. Allele origin: germline.
Comment: This sequence change replaces leucine, which is neutral and non-polar, with phenylalanine, which is neutral and non-polar, at codon 1817 of the CACNA1A protein (p.Leu1817Phe). This variant is not present in population databases (gnomAD no frequency). This variant has not been reported in the literature in individuals affected with CACNA1A-related conditions. Invitae Evidence Modeling of protein sequence and biophysical properties (such as structural, functional, and spatial information, amino acid conservation, physicochemical variation, residue mobility, and thermodynamic stability) indicates that this missense variant is expected to disrupt CACNA1A protein function with a positive predictive value of 95%. In summary, the available evidence is currently insufficient to determine the role of this variant in disease. Therefore, it has been classified as a Variant of Uncertain Significance.

NM_001127222.2(CACNA1A):c.5446C>T (p.Leu1816Phe)

Gene: CACNA1A (calcium voltage-gated channel subunit alpha1 A; minus strand). Cytogenetic location: 19p13.13.
Variant type: single nucleotide variant.
Coding change: c.5446C>T on transcript NM_001127222.2 (MANE Select); coding-DNA position 5446, C replaced by T.
Protein change: p.Leu1816Phe; replaces leucine 1816 with phenylalanine.
Molecular consequence: missense variant.
Genome position (GRCh38, 1-based): chr19:13,230,164, G>A on the plus strand (C>T on the coding strand, the complement: CACNA1A is on the minus strand). VCF-style: chr19-13230164-G-A. GRCh37 (hg19) VCF-style: chr19-13340978-G-A.
Other names: c.5464C>T, p.Leu1822Phe (NM_000068.4, NM_023035.3); c.5449C>T, p.Leu1817Phe (NM_001127221.2); c.5455C>T, p.Leu1819Phe (NM_001174080.2); short protein forms L1816F, L1817F, L1819F, L1822F.
Identifiers: ClinVar variation 3754150 (VCV003754150.2).